The following is an entry in ClinVar:

ClinVar aggregate classification (germline): Uncertain significance (1 of 4 stars; one submission).

Conditions:
Hereditary cancer-predisposing syndrome. Also called: Tumor predisposition; Neoplastic Syndromes, Hereditary; Hereditary neoplastic syndrome; Hereditary Cancer Syndrome. Identifiers: Orphanet 140162, MedGen C0027672, MeSH D009386, MONDO:0015356.

Submission:

Ambry Genetics
Classification: Uncertain significance for Hereditary cancer-predisposing syndrome. Last evaluated: 2025-07-17. Review status: criteria provided, single submitter. Criteria: Ambry Variant Classification Scheme 2023. Collection method: clinical testing. Allele origin: germline.
Comment: The c.580-2A>T intronic variant results from an A to T substitution two nucleotides upstream from coding exon 4 in the MSH3 gene. Alterations that disrupt the canonical splice site are expected to result in aberrant splicing. In silico splice site analysis predicts that this alteration will weaken the native splice acceptor site; however, direct evidence is insufficient at this time (Ambry internal data). A resulting transcript is predicted to be in-frame and is not expected to trigger nonsense-mediated mRNA decay; although, direct evidence is unavailable. This nucleotide position is highly conserved in available vertebrate species. Based on the available evidence, the clinical significance of this variant remains unclear.

NM_002439.5(MSH3):c.580-2A>T

Gene: MSH3 (mutS homolog 3; plus strand). Cytogenetic location: 5q14.1.
Variant type: single nucleotide variant.
Coding change: c.580-2A>T on transcript NM_002439.5 (MANE Select); the canonical splice acceptor site of the intron before coding-DNA position 580, A replaced by T.
Molecular consequence: splice acceptor variant.
Genome position (GRCh38, 1-based): chr5:80,670,095, A>T. VCF-style: chr5-80670095-A-T. GRCh37 (hg19) VCF-style: chr5-79965914-A-T.
Identifiers: ClinVar variation 4111094 (VCV004111094.1).